The following is an entry in ClinVar:

NM_001253852.3(AP4B1):c.2030G>A (p.Arg677Gln)

Genes: AP4B1 (adaptor related protein complex 4 subunit beta 1; minus strand), AP4B1-AS1 (AP4B1 antisense RNA 1; plus strand). Cytogenetic location: 1p13.2.
Variant type: single nucleotide variant.
Coding change: c.2030G>A on transcript NM_001253852.3 (MANE Select); coding-DNA position 2030, G replaced by A.
Protein change: p.Arg677Gln; replaces arginine 677 with glutamine.
Molecular consequence: missense variant.
Genome position (GRCh38, 1-based): chr1:113,895,255, C>T on the plus strand (G>A on the coding strand, the complement: AP4B1 is on the minus strand). VCF-style: chr1-113895255-C-T. GRCh37 (hg19) VCF-style: chr1-114437877-C-T.
Other names: c.1733G>A, p.Arg578Gln (NM_001253853.3); c.1526G>A, p.Arg509Gln (NM_001308312.2); c.2030G>A, p.Arg677Gln (NM_006594.5); short protein forms R509Q, R578Q, R677Q.
Identifiers: ClinVar variation 1387414 (VCV001387414.8), dbSNP rs752940030, ClinGen allele CA1015653.
Genomic context (GRCh38, chr1:113,895,255, plus strand): 5'-AGTTCTGTTAAGAACAGACAGCCAGTATCATCCTGAGCACTGAGGTATGCTTTCCATGGC[C>T]GAGACCCAGCCCTACTCATTGCGATGGTCTGGATGTTCACTACTTGAAGAGCCATCTGGA-3'
Protein context (NP_001240781.1, residues 667-687): QTIAMSRAGS[Arg677Gln]PWKAYLSAQD

ClinVar aggregate classification (germline): Uncertain significance (1 of 4 stars; one submission).

Conditions:
Hereditary spastic paraplegia 47. Also called: adaptor protein 4 (AP-4) deficiency syndrome; CEREBRAL PALSY, SPASTIC QUADRIPLEGIC, 5; Spastic paraplegia 47, autosomal recessive. Identifiers: Orphanet 280763, MedGen C3279738, MONDO:0013551, OMIM 614066.

Allele frequency attached by ClinVar (database versions not stated): ExAC 0.00002; gnomAD 0.00002; gnomAD exomes 0.00002 and 0.00003.
gnomAD v4.1: 32 of 1,614,078 alleles (0.002%); highest among the groups gnomAD compares: Non-Finnish European, 0.0018%; no homozygotes.

Submission:

Labcorp Genetics (formerly Invitae), Labcorp
Classification: Uncertain significance for Hereditary spastic paraplegia 47. Last evaluated: 2022-04-23. Review status: criteria provided, single submitter. Criteria: Invitae Variant Classification Sherloc (09022015). Collection method: clinical testing. Allele origin: germline.
Comment: In summary, the available evidence is currently insufficient to determine the role of this variant in disease. Therefore, it has been classified as a Variant of Uncertain Significance. Algorithms developed to predict the effect of missense changes on protein structure and function output the following: SIFT: "Tolerated"; PolyPhen-2: "Benign"; Align-GVGD: "Class C0". The glutamine amino acid residue is found in multiple mammalian species, which suggests that this missense change does not adversely affect protein function. This variant has not been reported in the literature in individuals affected with AP4B1-related conditions. This variant is present in population databases (rs752940030, gnomAD 0.02%). This sequence change replaces arginine, which is basic and polar, with glutamine, which is neutral and polar, at codon 677 of the AP4B1 protein (p.Arg677Gln).